The following is an entry in ClinVar:

ClinVar aggregate classification (germline): Likely benign. Review status: criteria provided, multiple submitters, no conflicts (2 of 4 stars). 2 submissions from 2 submitters: Likely benign (2). Last evaluated 2024-04-30.

Conditions:
Ataxia-telangiectasia syndrome (AT). Also called: Cerebello-oculocutaneous telangiectasia; Immunodeficiency with ataxia telangiectasia; Ataxia-telangiectasia, complementation group E; Ataxia telangiectasia (A-T); AT, COMPLEMENTATION GROUP C; ATAXIA-TELANGIECTASIA, COMPLEMENTATION GROUP A. Identifiers: Orphanet 100, MedGen C0004135, MONDO:0008840, OMIM 208900.
Familial cancer of breast. Also called: Hereditary breast cancer; hereditary breast carcinoma; BREAST CANCER, FAMILIAL. Identifiers: Orphanet 227535, MedGen C0346153, MONDO:0016419, OMIM 114480. Disease mechanism: loss of function.

Submissions (2):

Myriad Genetics, Inc.
Classification: Likely benign for Familial cancer of breast. Last evaluated: 2024-04-30. Review status: criteria provided, single submitter. Criteria: Myriad Autosomal Dominant, Autosomal Recessive and X-Linked Classification Criteria (2023). Collection method: clinical testing. Allele origin: unknown.
Comment: This variant is considered likely benign. This variant is intronic and is not expected to impact mRNA splicing.

Labcorp Genetics (formerly Invitae), Labcorp
Classification: Likely benign for Ataxia-telangiectasia syndrome. Last evaluated: 2023-07-18. Review status: criteria provided, single submitter. Criteria: Invitae Variant Classification Sherloc (09022015). Collection method: clinical testing. Allele origin: germline.

NM_000051.4(ATM):c.1608-13T>C

Gene: ATM (ATM serine/threonine kinase; plus strand). Cytogenetic location: 11q22.3.
Variant type: single nucleotide variant.
Coding change: c.1608-13T>C on transcript NM_000051.4 (MANE Select); 13 bases into the intron before coding-DNA position 1608, T replaced by C.
Molecular consequence: intron variant.
Genome position (GRCh38, 1-based): chr11:108,251,824, T>C. VCF-style: chr11-108251824-T-C. GRCh37 (hg19) VCF-style: chr11-108122551-T-C.
Other names: c.1608-13T>C (NM_001351834.2).
Identifiers: ClinVar variation 2905864 (VCV002905864.4), dbSNP rs2135338206, ClinGen allele CA2725149473.